The following is an entry in ClinVar:

ClinVar aggregate classification (germline): Uncertain significance (1 of 4 stars; one submission).

Submission:

Ambry Genetics
Classification: Uncertain significance. Last evaluated: 2024-11-25. Review status: criteria provided, single submitter. Criteria: Ambry Variant Classification Scheme 2023. Collection method: clinical testing. Allele origin: germline.
Comment: The p.N66H variant (also known as c.196A>C), located in coding exon 1 of the MC1R gene, results from an A to C substitution at nucleotide position 196. The asparagine at codon 66 is replaced by histidine, an amino acid with similar properties. This amino acid position is conserved. In addition, this alteration is predicted to be tolerated by in silico analysis. Based on the available evidence, the clinical significance of this variant remains unclear.

NM_002386.4(MC1R):c.196A>C (p.Asn66His)

Gene: MC1R (melanocortin 1 receptor; plus strand). Cytogenetic location: 16q24.3.
Variant type: single nucleotide variant.
Coding change: c.196A>C on transcript NM_002386.4 (MANE Select); coding-DNA position 196, A replaced by C.
Protein change: p.Asn66His; replaces asparagine 66 with histidine.
Molecular consequence: missense variant.
Genome position (GRCh38, 1-based): chr16:89,919,454, A>C. VCF-style: chr16-89919454-A-C. GRCh37 (hg19) VCF-style: chr16-89985862-A-C.
Other names: short protein forms N66H.
Identifiers: ClinVar variation 3543970 (VCV003543970.1).